The following is an entry in ClinVar:

ClinVar aggregate classification (germline): Likely benign. Review status: criteria provided, multiple submitters, no conflicts (2 of 4 stars). 4 submissions from 4 submitters: Likely benign (3). 1 of the submissions does not count toward it. Last evaluated 2026-01-27.

Conditions:
Capillary malformation-arteriovenous malformation syndrome. Also called: Capillary malformation-arteriovenous malformation. Identifiers: Orphanet 137667, MedGen C1842180, MONDO:0012016.
RASA1-related disorder. Also called: RASA1-related condition.
Cardiovascular phenotype. Identifiers: MedGen CN230736.

Allele frequency attached by ClinVar (database versions not stated): gnomAD 0.00021 and 0.00018; TOPMed 0.00024; ExAC 0.00018; gnomAD exomes 0.00015 and 0.00027.
gnomAD v4.1: 359 of 1,357,574 alleles (0.026%); highest among the groups gnomAD compares: Non-Finnish European, 0.032%; no homozygotes.

Submissions (4):

Labcorp Genetics (formerly Invitae), Labcorp
Classification: Likely benign for Capillary malformation-arteriovenous malformation syndrome. Last evaluated: 2026-01-27. Review status: criteria provided, single submitter. Criteria: Invitae Variant Classification Sherloc (09022015). Collection method: clinical testing. Allele origin: germline.

Blueprint Genetics
Classification: Likely benign. Last evaluated: 2024-09-06. Review status: criteria provided, single submitter. Criteria: ACMG Guidelines, 2015. Collection method: clinical testing. Allele origin: germline.

Ambry Genetics
Classification: Likely benign for Cardiovascular phenotype. Last evaluated: 2022-04-03. Review status: criteria provided, single submitter. Criteria: Ambry Variant Classification Scheme 2023. Collection method: clinical testing. Allele origin: germline.

PreventionGenetics, part of Exact Sciences
Classification: Likely benign for RASA1-related condition. Last evaluated: 2024-03-27. Review status: no assertion criteria provided. Collection method: clinical testing. Allele origin: germline. Not counted in ClinVar's aggregate classification.
Comment: This variant is classified as likely benign based on ACMG/AMP sequence variant interpretation guidelines (Richards et al. 2015 PMID: 25741868, with internal and published modifications).

NM_002890.3(RASA1):c.1041A>G (p.Glu347=)

Genes: CCNH (cyclin H; minus strand), RASA1 (RAS p21 protein activator 1; plus strand). Cytogenetic location: 5q14.3.
Variant type: single nucleotide variant.
Coding change: c.1041A>G on transcript NM_002890.3 (MANE Select); coding-DNA position 1041, A replaced by G.
Protein change: p.Glu347=; no amino-acid change (glutamic acid 347 retained).
Molecular consequence: synonymous variant. On other transcripts: intron variant (1).
Genome position (GRCh38, 1-based): chr5:87,341,313, A>G. VCF-style: chr5-87341313-A-G. GRCh37 (hg19) VCF-style: chr5-86637130-A-G.
Other names: c.510A>G, p.Glu170= (NM_022650.3); c.934-28518T>C (NM_001364075.2).
Identifiers: ClinVar variation 416846 (VCV000416846.16), dbSNP rs765138678, ClinGen allele CA3335625.
Genomic context (GRCh38, chr5:87,341,313, plus strand): 5'-AATTATATAAAATACTGTCTTAATGTCTTCCCTTTAGGGCCGGGAAGAAGATCCACATGA[A>G]GGAAAAATGTGAGTTTGTGTTAATTATTAAAATGAAAAAAAAAATCTATATTGTAAATTT-3'
Protein context (NP_002881.1, residues 337-357): EEVGREEDPH[Glu347=]GKIWFHGKIS